The following is an entry in ClinVar:

NM_006915.3(RP2):c.496A>G (p.Ile166Val)

Gene: RP2 (RP2 activator of ARL3 GTPase; plus strand). Cytogenetic location: Xp11.3.
Variant type: single nucleotide variant.
Coding change: c.496A>G on transcript NM_006915.3 (MANE Select); coding-DNA position 496, A replaced by G.
Protein change: p.Ile166Val; replaces isoleucine 166 with valine.
Molecular consequence: missense variant.
Genome position (GRCh38, 1-based): chrX:46,853,869, A>G. VCF-style: chrX-46853869-A-G. GRCh37 (hg19) VCF-style: chrX-46713304-A-G.
Other names: short protein forms I166V.
Identifiers: ClinVar variation 914701 (VCV000914701.8), dbSNP rs782510902, ClinGen allele CA10394214.

ClinVar aggregate classification (germline): Uncertain significance. Review status: criteria provided, multiple submitters, no conflicts (2 of 4 stars). 3 submissions from 3 submitters: Uncertain significance (3). Last evaluated 2024-02-22.

Conditions:
Retinitis pigmentosa 2 (RP2). Also called: Retinitis pigmentosa 2, X linked. Identifiers: Orphanet 791, MedGen C2681923, MONDO:0010723, OMIM 312600.
Retinitis pigmentosa (RP). Identifiers: Orphanet 791, MedGen C0035334, MeSH D012174, MONDO:0019200, OMIM 268000. Inheritance: Autosomal dominant, autosomal recessive and X linked inheritance.

Allele frequency attached by ClinVar (database versions not stated): gnomAD exomes below 0.00001 and 0.00001; TOPMed below 0.00001; ExAC 0.00001.
gnomAD v4.1: 1 of 1,211,878 alleles (0.000083%); highest among the groups gnomAD compares: East Asian, 0.003%; no homozygotes.

Submissions (3):

Labcorp Genetics (formerly Invitae), Labcorp
Classification: Uncertain significance. Last evaluated: 2024-02-22. Review status: criteria provided, single submitter. Criteria: Invitae Variant Classification Sherloc (09022015). Collection method: clinical testing. Allele origin: germline.
Comment: This sequence change replaces isoleucine, which is neutral and non-polar, with valine, which is neutral and non-polar, at codon 166 of the RP2 protein (p.Ile166Val). This variant is present in population databases (rs782510902, gnomAD 0.008%), including at least one homozygous and/or hemizygous individual. This missense change has been observed in individual(s) with suspicion of inherited retinal disease (PMID: 31054281). ClinVar contains an entry for this variant (Variation ID: 914701). Advanced modeling of protein sequence and biophysical properties (such as structural, functional, and spatial information, amino acid conservation, physicochemical variation, residue mobility, and thermodynamic stability) has been performed at Invitae for this missense variant, however the output from this modeling did not meet the statistical confidence thresholds required to predict the impact of this variant on RP2 protein function. In summary, the available evidence is currently insufficient to determine the role of this variant in disease. Therefore, it has been classified as a Variant of Uncertain Significance.

Revvity Omics, Revvity
Classification: Uncertain significance for Retinitis pigmentosa 2. Last evaluated: 2022-07-08. Review status: criteria provided, single submitter. Criteria: ACMG Guidelines, 2015. Collection method: clinical testing. Allele origin: germline.

Illumina Laboratory Services, Illumina
Classification: Uncertain significance for Retinitis pigmentosa. Last evaluated: 2018-02-02. Review status: criteria provided, single submitter. Criteria: ICSL Variant Classification Criteria 13 December 2019. Collection method: clinical testing. Allele origin: germline.

Literature cited by the submitters: PubMed 31054281 (cited by Labcorp Genetics (formerly Invitae), Labcorp).